The following is an entry in ClinVar:

ClinVar aggregate classification (germline): Uncertain significance (1 of 4 stars; one submission).

Submission:

GeneDx
Classification: Uncertain significance. Last evaluated: 2025-08-08. Review status: criteria provided, single submitter. Criteria: GeneDx Variant Classification Process June 2021. Collection method: clinical testing. Allele origin: germline. Affected: yes.
Comment: Not observed at significant frequency in large population cohorts (gnomAD); In silico analysis supports that this missense variant has a deleterious effect on protein structure/function; In silico analysis supports a deleterious effect on splicing; Has not been previously published as pathogenic or benign to our knowledge

NM_172362.3(KCNH1):c.439G>A (p.Gly147Ser)

Gene: KCNH1 (potassium voltage-gated channel subfamily H member 1; minus strand). Cytogenetic location: 1q32.2.
Variant type: single nucleotide variant.
Coding change: c.439G>A on transcript NM_172362.3 (MANE Select); coding-DNA position 439, G replaced by A.
Protein change: p.Gly147Ser; replaces glycine 147 with serine.
Molecular consequence: missense variant.
Genome position (GRCh38, 1-based): chr1:211,090,562, C>T on the plus strand (G>A on the coding strand, the complement: KCNH1 is on the minus strand). VCF-style: chr1-211090562-C-T. GRCh37 (hg19) VCF-style: chr1-211263904-C-T.
Other names: c.439G>A, p.Gly147Ser (NM_002238.4); short protein forms G147S.
Identifiers: ClinVar variation 4755649 (VCV004755649.1).